The following is an entry in ClinVar:

NM_001164508.2(NEB):c.22591-7CA[2]

Genes: NEB (nebulin; minus strand), RIF1 (replication timing regulatory factor 1; plus strand). Cytogenetic location: 2q23.3.
Variant type: Microsatellite.
Coding change: c.22591-7CA[2] on transcript NM_001164508.2 (MANE Select); two copies in a row of the 2-base unit CA starting at c.22591-7; the reference has three copies in a row; one copy, 2 bases deleted.
Molecular consequence: splice acceptor variant.
Genome position (GRCh38, 1-based): chr2:151,519,071-151,519,072, TG deleted on the plus strand (CA on the coding strand, the reverse complement: NEB is on the minus strand); deleting any 2 consecutive bases within chr2:151,519,071-151,519,077 gives the same sequence; the position shown is the placement nearest the transcript's 3' end. VCF-style (leftmost placement, unchanged base first): chr2-151519070-CTG-C. GRCh37 (hg19) VCF-style: chr2-152375584-CTG-C.
Other names: c.17488-7CA[2] (NM_004543.5); c.22591-7CA[2] (NM_001164507.2); c.22696-7CA[2] (NM_001271208.2).
Identifiers: ClinVar variation 5004721 (VCV005004721.1).

ClinVar aggregate classification (germline): Uncertain significance (1 of 4 stars; one submission).

Conditions:
Nemaline myopathy 2 (NEM2). Also called: Nemaline myopathy 2, autosomal recessive. Identifiers: MedGen C1850569, MONDO:0009725, OMIM 256030.

Submission:

Myriad Genetics, Inc.
Classification: Uncertain significance for Nemaline myopathy 2. Last evaluated: 2026-06-12. Review status: criteria provided, single submitter. Criteria: Myriad Autosomal Dominant, Autosomal Recessive and X-Linked Classification Criteria (2023). Collection method: clinical testing. Allele origin: unknown.
Comment: NM_001271208.1(NEB):c.22696-3_22696-2delCA is a variant in a canonical splice site classified as a variant of uncertain significance in the context of NEB-related nemaline myopathy. c.22696-3_22696-2delCA has not been observed in cases with relevant disease. Relevant functional assessments of this variant are not available in the literature. c.22696-3_22696-2delCA has not been observed in referenced population frequency databases. In summary, there is insufficient evidence to classify NM_001271208.1(NEB):c.22696-3_22696-2delCA as pathogenic or benign. Please note: this variant was assessed in the context of healthy population screening.